The following is an entry in ClinVar:

ClinVar aggregate classification (germline): Benign (1 of 4 stars; one submission).

Allele frequency attached by ClinVar (database versions not stated): TOPMed 0.07329; 1000 Genomes Project 0.07548; 1000 Genomes Project 30x 0.07683; gnomAD 0.08453 and 0.08592.
gnomAD v4.1: 13,026 of 152,110 alleles (8.6%); highest among the groups gnomAD compares: Non-Finnish European, 11%; 735 homozygotes.

Submissions (10):

GeneDx
Classification: Benign. Last evaluated: 2018-06-14. Review status: criteria provided, single submitter. Criteria: GeneDx Variant Classification (06012015). Collection method: clinical testing. Allele origin: germline. Affected: yes.
Comment: This variant is considered likely benign or benign based on one or more of the following criteria: it is a conservative change, it occurs at a poorly conserved position in the protein, it is predicted to be benign by multiple in silico algorithms, and/or has population frequency not consistent with disease.

Dr. Peter K. Rogan Lab, Western University
No classification provided (evidence only). Condition: Acute myeloid leukemia. Review status: no classification provided. Collection method: in vitro. Allele origin: not applicable. Functional consequence: retained intron. Not counted in ClinVar's aggregate classification.

Dr. Peter K. Rogan Lab, Western University
No classification provided (evidence only). Condition: Acute myeloid leukemia. Review status: no classification provided. Collection method: in vitro. Allele origin: not applicable. Functional consequence: retained intron. Not counted in ClinVar's aggregate classification.

Dr. Peter K. Rogan Lab, Western University
No classification provided (evidence only). Condition: Acute myeloid leukemia. Review status: no classification provided. Collection method: in vitro. Allele origin: not applicable. Functional consequence: retained intron. Not counted in ClinVar's aggregate classification.

Dr. Peter K. Rogan Lab, Western University
No classification provided (evidence only). Condition: Acute myeloid leukemia. Review status: no classification provided. Collection method: in vitro. Allele origin: not applicable. Functional consequence: retained intron. Not counted in ClinVar's aggregate classification.

Dr. Peter K. Rogan Lab, Western University
No classification provided (evidence only). Condition: Acute myeloid leukemia. Review status: no classification provided. Collection method: in vitro. Allele origin: not applicable. Functional consequence: retained intron. Not counted in ClinVar's aggregate classification.

Dr. Peter K. Rogan Lab, Western University
No classification provided (evidence only). Condition: Uterine corpus endometrial carcinoma. Review status: no classification provided. Collection method: in vitro. Allele origin: not applicable. Functional consequence: retained intron. Not counted in ClinVar's aggregate classification.

Dr. Peter K. Rogan Lab, Western University
No classification provided (evidence only). Condition: Thymoma. Review status: no classification provided. Collection method: in vitro. Allele origin: not applicable. Functional consequence: retained intron. Not counted in ClinVar's aggregate classification.

Dr. Peter K. Rogan Lab, Western University
No classification provided (evidence only). Condition: Thymoma. Review status: no classification provided. Collection method: in vitro. Allele origin: not applicable. Functional consequence: retained intron. Not counted in ClinVar's aggregate classification.

Dr. Peter K. Rogan Lab, Western University
No classification provided (evidence only). Condition: Malignant tumor of esophagus. Review status: no classification provided. Collection method: in vitro. Allele origin: not applicable. Functional consequence: retained intron. Not counted in ClinVar's aggregate classification.

NM_001377.3(DYNC2H1):c.2947-185A>T

Gene: DYNC2H1 (dynein cytoplasmic 2 heavy chain 1; plus strand). Cytogenetic location: 11q22.3.
Variant type: single nucleotide variant.
Coding change: c.2947-185A>T on transcript NM_001377.3 (MANE Select); 185 bases into the intron before coding-DNA position 2947, A replaced by T.
Molecular consequence: intron variant.
Genome position (GRCh38, 1-based): chr11:103,151,951, A>T. VCF-style: chr11-103151951-A-T. GRCh37 (hg19) VCF-style: chr11-103022680-A-T.
Other names: NC_000011.9:g.103022680A>T; c.2947-185A>T (NM_001080463.2).
Identifiers: ClinVar variation 669865 (VCV000669865.2), dbSNP rs61898616, ClinGen allele CA227417034.
Genomic context (GRCh38, chr11:103,151,951, plus strand): 5'-TTAACCTCTGATGTTAGAGTGCCTTAGTTGAATTTGTGTATAGTAAAAAATAACCATCAG[A>T]AAGTTTATATCCAGGAATTTTTTTCTGCCAAATCAGAATATATAGGAATTTAACAAACTG-3'